The following is an entry in ClinVar:

ClinVar aggregate classification (germline): Uncertain significance (1 of 4 stars; one submission).

Conditions:
Dyskeratosis congenita, autosomal dominant 3. Identifiers: MedGen C3151445, MONDO:0013522, OMIM 613990.

gnomAD v4.1: 10 of 1,613,036 alleles (0.00062%); highest among the groups gnomAD compares: African/African-American, 0.0027%; no homozygotes.

Submission:

Johns Hopkins Genomics, Johns Hopkins University
Classification: Uncertain significance for Dyskeratosis congenita, autosomal dominant 3. Last evaluated: 2025-09-21. Review status: criteria provided, single submitter. Criteria: ACMG Guidelines, 2015. Collection method: clinical testing. Allele origin: germline.
Comment: This TNXB variant (rs1370089788) is rare (<0.1%) in a large population dataset (gnomADv4.1.0: 10/1613036 total alleles; 0.0006%; no homozygotes) and has not been reported in ClinVar nor the literature, to our knowledge. Three bioinformatic tools queried predict that this substitution would be tolerated (SIFT: 0.2; PP2HumVar: 0.005; REVEL: 0.021), and the valine residue is moderately conserved across the vertebrate species assessed with several species having isoleucine at this position. Bioinformatic analysis predicts that this missense variant would not affect normal exon 18 splicing, although this has not been confirmed experimentally to our knowledge. Due to insufficient evidence, we consider the clinical significance of TNXB c.6538G>A (p.Val2180Ile) to be uncertain at this time.

NM_001365276.2(TNXB):c.6538G>A (p.Val2180Ile)

Gene: TNXB (tenascin XB; minus strand). Cytogenetic location: 6p21.33.
Variant type: single nucleotide variant.
Coding change: c.6538G>A on transcript NM_001365276.2 (MANE Select); coding-DNA position 6538, G replaced by A.
Protein change: p.Val2180Ile; replaces valine 2180 with isoleucine.
Molecular consequence: missense variant.
Genome position (GRCh38, 1-based): chr6:32,067,667, C>T on the plus strand (G>A on the coding strand, the complement: TNXB is on the minus strand). VCF-style: chr6-32067667-C-T. GRCh37 (hg19) VCF-style: chr6-32035444-C-T.
Other names: c.7279G>A, p.Val2427Ile (NM_001428335.1); c.6538G>A, p.Val2180Ile (NM_019105.8); short protein forms V2180I, V2427I.
Identifiers: ClinVar variation 4280103 (VCV004280103.1).